The following is an entry in ClinVar:

ClinVar aggregate classification (germline): Uncertain significance (1 of 4 stars; one submission).

Conditions:
Inborn genetic diseases. Identifiers: MedGen C0950123, MeSH D030342.

Allele frequency attached by ClinVar (database versions not stated): ExAC 0.00001; gnomAD 0.00003; TOPMed 0.00003.
gnomAD v4.1: 5 of 1,613,948 alleles (0.00031%); highest among the groups gnomAD compares: African/African-American, 0.0067%; no homozygotes.

Submission:

Ambry Genetics
Classification: Uncertain significance for Inborn genetic diseases. Last evaluated: 2015-05-05. Review status: criteria provided, single submitter. Criteria: Ambry Variant Classification Scheme 2023. Collection method: clinical testing. Allele origin: germline.
Comment: The p.N14Y variant (also known as c.40A>T), located in coding exon 1 of the SBDS gene, results from an A to T substitution at nucleotide position 40. The asparagine at codon 14 is replaced by tyrosine, an amino acid with dissimilar properties. This variant was not reported in population based cohorts in the following databases: Database of Single Nucleotide Polymorphisms (dbSNP), NHLBI Exome Sequencing Project (ESP), and 1000 Genomes Project. In the ESP, this variant was not observed in 6503 samples (13006 alleles) with coverage at this position. This amino acid position is highly conserved in available vertebrate species. In addition, this alteration is predicted to be deleterious by in silico analysis. Since supporting evidence is limited at this time, the clinical significance of this variant remains unclear.

NM_016038.4(SBDS):c.40A>T (p.Asn14Tyr)

Gene: SBDS (SBDS ribosome maturation factor; minus strand). Cytogenetic location: 7q11.21.
Variant type: single nucleotide variant.
Coding change: c.40A>T on transcript NM_016038.4 (MANE Select); coding-DNA position 40, A replaced by T.
Protein change: p.Asn14Tyr; replaces asparagine 14 with tyrosine.
Molecular consequence: missense variant.
Genome position (GRCh38, 1-based): chr7:66,995,378, T>A on the plus strand (A>T on the coding strand, the complement: SBDS is on the minus strand). VCF-style: chr7-66995378-T-A. GRCh37 (hg19) VCF-style: chr7-66460365-T-A.
Other names: short protein forms N14Y.
Identifiers: ClinVar variation 1737823 (VCV001737823.2), dbSNP rs751329484, ClinGen allele CA4279281.
Genomic context (GRCh38, chr7:66,995,378, plus strand): 5'-TTTTGTAGCAGGCGATTTCGAAGCGCTTCCCGGCACGCTTCATCCGTACCACGGCCACAT[T>A]GGTTAGGCGGATCTGGTTGGTGGGGGTGAAGATCGACATCGCGGCTGTTCAAAGACCCAG-3'
Protein context (NP_057122.2, residues 4-24): FTPTNQIRLT[Asn14Tyr]VAVVRMKRAG